The following is an entry in ClinVar:

NM_032383.5(HPS3):c.2463dup (p.Arg822fs)

Genes: CP (ceruloplasmin; minus strand), HPS3 (HPS3 biogenesis of lysosomal organelles complex 2 subunit 1; plus strand). Cytogenetic location: 3q24.
Variant type: Duplication.
Coding change: c.2463dup on transcript NM_032383.5 (MANE Select); coding-DNA position 2463, one base duplicated (G; older notation c.2463dupG).
Protein change: p.Arg822fs; shifts the reading frame from arginine 822.
Molecular consequence: frameshift variant. On other transcripts: non-coding transcript variant (1).
Genome position (GRCh38, 1-based): chr3:149,162,860, G duplicated. VCF-style (leftmost placement, unchanged base first): chr3-149162859-T-TG. GRCh37 (hg19) VCF-style: chr3-148880646-T-TG.
Other names: c.1968dup, p.Arg657fs (NM_001308258.2); c.2463dupG (NM_032383.4); short protein forms R657fs, R822fs.
Identifiers: ClinVar variation 627283 (VCV000627283.8), dbSNP rs1576695913, ClinGen allele CA915941606.

ClinVar aggregate classification (germline): Pathogenic/Likely pathogenic. Review status: criteria provided, multiple submitters, no conflicts (2 of 4 stars). 4 submissions from 4 submitters: Pathogenic (3); Likely pathogenic (1). Last evaluated 2025-11-21.

Conditions:
Hermansky-Pudlak syndrome (HPS). Also called: ALBINISM WITH HEMORRHAGIC DIATHESIS AND PIGMENTED RETICULOENDOTHELIAL CELLS. Identifiers: Orphanet 79430, MedGen C0079504, MONDO:0019312.
Hermansky-Pudlak syndrome 3 (HPS3). Identifiers: Orphanet 231512, Orphanet 79430, MedGen C3888001, MONDO:0013555, OMIM 614072.

Allele frequency attached by ClinVar (database versions not stated): gnomAD exomes below 0.00001; TOPMed below 0.00001.

Submissions (4):

Natera, Inc.
Classification: Pathogenic for Hermansky-Pudlak syndrome. Last evaluated: 2025-11-21. Review status: criteria provided, single submitter. Criteria: Natera Variant Classification Schema (03/2026). Collection method: clinical testing. Allele origin: germline.
Comment: The c.2463dupG variant in HPS3 is a frameshift variant predicted to shift the reading frame beginning at codon 822 and leads to a stop codon 11 codons downstream. This variant is expected to result in nonsense mediated decay, truncation, or a dysfunctional protein product. This variant is rare in the general population with a frequency below the threshold expected for the associated phenotype(s). This variant has been observed in one or more individuals affected with the associated recessive disease, as either homozygous or compound heterozygous with a second variant (PMID: 31064749). Given the available evidence, this variant is classified as Pathogenic.

Labcorp Genetics (formerly Invitae), Labcorp
Classification: Pathogenic. Last evaluated: 2024-02-25. Review status: criteria provided, single submitter. Criteria: Invitae Variant Classification Sherloc (09022015). Collection method: clinical testing. Allele origin: germline.
Comment: This sequence change creates a premature translational stop signal (p.Arg822Alafs*11) in the HPS3 gene. It is expected to result in an absent or disrupted protein product. Loss-of-function variants in HPS3 are known to be pathogenic (PMID: 11590544). This variant is not present in population databases (gnomAD no frequency). This premature translational stop signal has been observed in individual(s) with Hermansky-Pudlak syndrome (PMID: 31064749). ClinVar contains an entry for this variant (Variation ID: 627283). For these reasons, this variant has been classified as Pathogenic.

Baylor Genetics
Classification: Pathogenic for Hermansky-Pudlak syndrome 3. Last evaluated: 2023-09-21. Review status: criteria provided, single submitter. Criteria: ACMG Guidelines, 2015. Collection method: clinical testing. Allele origin: unknown.

NIHR Bioresource Rare Diseases, University of Cambridge
Classification: Likely pathogenic for Hermansky-Pudlak syndrome. Last evaluated: 2019-02-01. Review status: criteria provided, single submitter. Criteria: ACMG Guidelines, 2015. Collection method: research. Allele origin: unknown. Affected: yes. Observed: 1 homozygote. Study: ThromboGenomics.

Literature cited by the submitters: PubMed 31064749 (cited by 3 submitters); PubMed 11590544 (cited by Labcorp Genetics (formerly Invitae), Labcorp).